The following is an entry in ClinVar:

NM_004329.3(BMPR1A):c.1576_1579dup (p.Ser527Ter)

Gene: BMPR1A (bone morphogenetic protein receptor type 1A; plus strand). Cytogenetic location: 10q23.2.
Variant type: Duplication.
Coding change: c.1576_1579dup on transcript NM_004329.3 (MANE Select); coding-DNA positions 1576 to 1579, 4 bases duplicated (GAAT; older notation c.1576_1579dupGAAT).
Protein change: p.Ser527Ter; replaces serine 527 with a stop codon.
Molecular consequence: nonsense.
Genome position (GRCh38, 1-based): chr10:86,923,696-86,923,699, GAAT duplicated; duplicating any 4 consecutive bases within chr10:86,923,695-86,923,699 gives the same sequence; the c. name uses the placement nearest the transcript's 3' end. VCF-style (leftmost placement, unchanged base first): chr10-86923694-T-TTGAA. GRCh37 (hg19) VCF-style: chr10-88683451-T-TTGAA.
Other names: short protein forms S527*.
Identifiers: ClinVar variation 1171599 (VCV001171599.2), dbSNP rs2133625837, ClinGen allele CA2499220434.

ClinVar aggregate classification (germline): Uncertain significance (1 of 4 stars; one submission).

Conditions:
Hereditary cancer-predisposing syndrome. Also called: Tumor predisposition; Hereditary neoplastic syndrome; Hereditary Cancer Syndrome; Neoplastic Syndromes, Hereditary. Identifiers: Orphanet 140162, MedGen C0027672, MeSH D009386, MONDO:0015356.

Submission:

Color Diagnostics, LLC DBA Color Health
Classification: Uncertain significance for Hereditary cancer-predisposing syndrome. Last evaluated: 2020-11-23. Review status: criteria provided, single submitter. Criteria: ACMG Guidelines, 2015. Collection method: clinical testing. Allele origin: germline.
Comment: This variant inserts 4 nucleotides in exon 13 of the BMPR1A gene, creating a premature translation stop signal in the last coding exon. This mutant transcript is predicted to escape nonsense-mediated decay and be expressed as a truncated protein deleting the last six amino acids. The clinical relevance of the loss of this C-terminal region is not known. To our knowledge, this variant has not been reported in individuals affected with hereditary cancer in the literature. This variant has not been identified in the general population by the Genome Aggregation Database (gnomAD). The available evidence is insufficient to determine the role of this variant in disease conclusively. Therefore, this variant is classified as a Variant of Uncertain Significance.